The following is an entry in ClinVar:

NM_153676.4(USH1C):c.307C>T (p.Arg103Cys)

Gene: USH1C (USH1 protein network component harmonin; minus strand). Cytogenetic location: 11p15.1.
Variant type: single nucleotide variant.
Coding change: c.307C>T on transcript NM_153676.4 (MANE Select); coding-DNA position 307, C replaced by T.
Protein change: p.Arg103Cys; replaces arginine 103 with cysteine.
Molecular consequence: missense variant. On other transcripts: non-coding transcript variant (1).
Genome position (GRCh38, 1-based): chr11:17,531,234, G>A on the plus strand (C>T on the coding strand, the complement: USH1C is on the minus strand). VCF-style: chr11-17531234-G-A. GRCh37 (hg19) VCF-style: chr11-17552781-G-A.
Other names: c.307C>T, p.Arg103Cys (NM_001297764.2, NM_005709.4); short protein forms R103C.
Identifiers: ClinVar variation 48013 (VCV000048013.28), dbSNP rs397517880, ClinGen allele CA142371.
Genomic context (GRCh38, chr11:17,531,234, plus strand): 5'-CCTGACCGCCTTTGATGAGGTGGGAGATGAAGAGCCCACAGCCAAACTCCAGGCCACCAC[G>A]CACACTCAGGCCGAGGCCTTCGGGGTGCAGACGGTCCAGACGCACCTCCTTCAGCTTCCT-3'
Protein context (NP_710142.1, residues 93-113): LHPEGLGLSV[Arg103Cys]GGLEFGCGLF

ClinVar aggregate classification (germline): Conflicting classifications of pathogenicity. Review status: criteria provided, conflicting classifications (1 of 4 stars). 7 submissions from 7 submitters: Uncertain significance (2); Benign (2); Likely benign (3). Last evaluated 2026-01-28.

Conditions:
USH1C-related disorder. Also called: USH1C-related condition.

Allele frequency attached by ClinVar (database versions not stated): gnomAD 0.00001 and 0.00021; TOPMed 0.00005; ExAC 0.00100; gnomAD exomes 0.00105; 1000 Genomes Project 30x 0.00109; 1000 Genomes Project 0.00120.
gnomAD v4.1: 856 of 1,614,136 alleles (0.053%); highest among the groups gnomAD compares: South Asian, 0.78%; 7 homozygotes.

Submissions (7):

Labcorp Genetics (formerly Invitae), Labcorp
Classification: Benign. Last evaluated: 2026-01-28. Review status: criteria provided, single submitter. Criteria: Invitae Variant Classification Sherloc (09022015). Collection method: clinical testing. Allele origin: germline.

PreventionGenetics, part of Exact Sciences
Classification: Likely benign for USH1C-related condition. Last evaluated: 2025-05-21. Review status: criteria provided, single submitter. Criteria: ACMG Guidelines, 2015. Collection method: clinical testing. Allele origin: germline.
Comment: This variant is classified as likely benign based on ACMG/AMP sequence variant interpretation guidelines (Richards et al. 2015 PMID: 25741868, with internal and published modifications).

Blueprint Genetics
Classification: Likely benign. Last evaluated: 2024-10-28. Review status: criteria provided, single submitter. Criteria: ACMG Guidelines, 2015. Collection method: clinical testing. Allele origin: germline.

GeneDx
Classification: Benign. Last evaluated: 2020-10-05. Review status: criteria provided, single submitter. Criteria: GeneDx Variant Classification Process June 2021. Collection method: clinical testing. Allele origin: germline. Affected: yes.
Comment: This variant is associated with the following publications: (PMID: 32467589, 30245029, 24498627)

Athena Diagnostics
Classification: Likely benign. Last evaluated: 2019-07-15. Review status: criteria provided, single submitter. Criteria: Athena Diagnostics Criteria. Collection method: clinical testing. Allele origin: germline.

ARUP Laboratories, Molecular Genetics and Genomics, ARUP Laboratories
Classification: Uncertain significance. Last evaluated: 2018-03-02. Review status: criteria provided, single submitter. Criteria: ARUP Molecular Germline Variant Investigation Process. Collection method: clinical testing. Allele origin: germline.
Comment: The USH1C c.307C>T; p.Arg103Cys variant (rs397517880) has been reported in the heterozygous state in a single individual diagnosed with Usher Syndrome type I (Besnard 2014). Another variant affecting this codon, Arg103His, has also been reported in two individuals with Usher Syndrome (Roux 2006, Saihan 2011). However, this variant is listed in the genome Aggregation Database (gnomAD) with a South Asian population frequency of 0.8% (identified on 261 out of 30,776 chromosomes, including 3 homozygotes) and is classified as a variant of uncertain significance in ClinVar (ID: 48013). The arginine at position 103 is highly conserved, considering 12 species, and computational analyses of the effects of the p.Arg103Cys variant on protein structure and function predict a deleterious effect (SIFT: damaging, PolyPhen-2: probably damaging). Based on the available information, the clinical significance of the p.Arg103Cys variant cannot be determined with certainty.

Laboratory for Molecular Medicine, Mass General Brigham Personalized Medicine
Classification: Uncertain significance. Last evaluated: 2014-09-04. Review status: criteria provided, single submitter. Criteria: LMM Criteria. Collection method: clinical testing. Allele origin: germline. Observed: 2 variant alleles.
Comment: Variant classified as Uncertain Significance - Favor Pathogenic. This variant is absent from large population studies. Another amino acid change at this position (Arg10 3His) has been identified in two individuals with Usher syndrome who were compou nd heterozygous with another pathogenic USH1C (Roux 2006, Saihan 2011), and the variant segregated with disease in an affected sibling of one of those individua ls (Saihain 2011). These data suggest that variants that alter the arginine resi due at position 103 may not be tolerated. Computational prediction tools and con servation analyses suggest that the Arg103Cys variant may impact the protein, th ough this information is not predictive enough to determine pathogenicity. In su mmary, while there is some suspicion for a pathogenic role, the clinical signifi cance of the Arg103Cys variant is uncertain.

Literature cited by the submitters: PubMed 24498627 (cited by Athena Diagnostics and Laboratory for Molecular Medicine, Mass General Brigham Personalized Medicine); PubMed 21487335 (cited by Laboratory for Molecular Medicine, Mass General Brigham Personalized Medicine); PubMed 16679490 (cited by Laboratory for Molecular Medicine, Mass General Brigham Personalized Medicine).